The following is an entry in ClinVar:

ClinVar aggregate classification (germline): Uncertain significance (1 of 4 stars; one submission).

Submission:

Labcorp Genetics (formerly Invitae), Labcorp
Classification: Uncertain significance. Last evaluated: 2020-05-13. Review status: criteria provided, single submitter. Criteria: Invitae Variant Classification Sherloc (09022015). Collection method: clinical testing. Allele origin: germline.
Comment: This sequence change replaces lysine with threonine at codon 425 of the POLE protein (p.Lys425Thr). The lysine residue is highly conserved and there is a moderate physicochemical difference between lysine and threonine. In summary, the available evidence is currently insufficient to determine the role of this variant in disease. Therefore, it has been classified as a Variant of Uncertain Significance. Algorithms developed to predict the effect of missense changes on protein structure and function are either unavailable or do not agree on the potential impact of this missense change (SIFT: "Deleterious"; PolyPhen-2: "Probably Damaging"; Align-GVGD: "Class C0"). This variant has not been reported in the literature in individuals with POLE-related conditions. This variant is not present in population databases (ExAC no frequency).

NM_006231.4(POLE):c.1274A>C (p.Lys425Thr)

Gene: POLE (DNA polymerase epsilon, catalytic subunit; minus strand). Cytogenetic location: 12q24.33.
Variant type: single nucleotide variant.
Coding change: c.1274A>C on transcript NM_006231.4 (MANE Select); coding-DNA position 1274, A replaced by C.
Protein change: p.Lys425Thr; replaces lysine 425 with threonine.
Molecular consequence: missense variant.
Genome position (GRCh38, 1-based): chr12:132,673,660, T>G on the plus strand (A>C on the coding strand, the complement: POLE is on the minus strand). VCF-style: chr12-132673660-T-G. GRCh37 (hg19) VCF-style: chr12-133250246-T-G.
Other names: short protein forms K425T.
Identifiers: ClinVar variation 944521 (VCV000944521.9), dbSNP rs757186755, ClinGen allele CA387359522.